The following is an entry in ClinVar:

NM_001276345.2(TNNT2):c.887G>A (p.Arg296His)

Gene: TNNT2 (troponin T2, cardiac type; minus strand). Cytogenetic location: 1q32.1.
Variant type: single nucleotide variant.
Coding change: c.887G>A on transcript NM_001276345.2 (MANE Select); coding-DNA position 887, G replaced by A.
Protein change: p.Arg296His; replaces arginine 296 with histidine.
Molecular consequence: missense variant.
Genome position (GRCh38, 1-based): chr1:201,359,220, C>T on the plus strand (G>A on the coding strand, the complement: TNNT2 is on the minus strand). VCF-style: chr1-201359220-C-T. GRCh37 (hg19) VCF-style: chr1-201328348-C-T.
Other names: c.878G>A, p.Arg293His (NM_000364.4); c.857G>A, p.Arg286His (NM_001001430.3, NM_001276347.2); c.848G>A, p.Arg283His (NM_001001431.3); c.839G>A, p.Arg280His (NM_001001432.3); c.758G>A, p.Arg253His (NM_001276346.2); short protein forms R286H, R293H, R253H, R280H, R283H, R296H.
Identifiers: ClinVar variation 43677 (VCV000043677.53), dbSNP rs141121678, ClinGen allele CA005304.

ClinVar aggregate classification (germline): Uncertain significance. Review status: criteria provided, multiple submitters, no conflicts (2 of 4 stars). 21 submissions from 19 submitters: Uncertain significance (18). 3 of the submissions do not count toward it. Last evaluated 2026-06-24.

Conditions:
TNNT2-related disorder. Also called: TNNT2-related condition.
Cardiovascular phenotype. Identifiers: MedGen CN230736.
Hypertrophic cardiomyopathy 2. Also called: TNNT2-Related Familial Hypertrophic Cardiomyopathy. Identifiers: MedGen C1861864, MONDO:0007266, OMIM 115195.
Dilated cardiomyopathy 1D. Identifiers: Orphanet 154, Orphanet 54260, MedGen C1832243, MONDO:0011095, OMIM 601494.
Cardiomyopathy, familial restrictive, 3. Identifiers: Orphanet 75249, MedGen C2676271, MONDO:0012900, OMIM 612422.
Cardiomyopathy (CMYO). Also called: Cardiomyopathies. Identifiers: Orphanet 167848, MedGen C0878544, MONDO:0004994, HP:0001638. Inheritance: Various modes of inheritance.
Primary familial hypertrophic cardiomyopathy (HCM). Identifiers: Orphanet 99739, MedGen C0949658, MeSH D024741, MONDO:0024573. Inheritance: Various modes of inheritance.

Allele frequency attached by ClinVar (database versions not stated): TOPMed 0.00004; gnomAD 0.00005; ESP Exome Variant Server 0.00008.
gnomAD v4.1: 46 of 1,610,148 alleles (0.0029%); highest among the groups gnomAD compares: East Asian, 0.042%; no homozygotes.

Submissions 1 to 7 of 21:

PreventionGenetics, part of Exact Sciences
Classification: Uncertain significance for TNNT2-related condition. Last evaluated: 2026-06-24. Review status: criteria provided, single submitter. Criteria: ACMG Guidelines, 2015. Collection method: clinical testing. Allele origin: germline.
Comment: The TNNT2 c.857G>A variant is predicted to result in the amino acid substitution p.Arg286His. This variant has been reported in multiple unrelated individuals and families with hypertrophic cardiomyopathy; however, it has also been reported in unaffected family members and in controls (Van Driest et al. 2003. PubMed ID: 12860912; Ripoll-Vera et al. 2015. PubMed ID: 26507537; Pua et al. 2020. PubMed ID: 32815737; reported as p.R296H Table S8, McGurk et al. 2023. PubMed ID: 37652022). Functional studies are conflicting for this variant; one study using induced pluripotent stem cells derived cardiomyocytes (IPSC-CMs) shows hypercontractility, cellular hypertrophy, and higher metabolic requirements in induced cells while another study using a functional genomics platform (SarcTg) that measures thin filament–localized calcium amplitudes to predict pathogenicity shows this variant is similar to control (Pua et al. 2020. PubMed ID: 32815737; Pettinato et al. 2020. PubMed ID: 33025817). This variant is reported in 0.087% of alleles in individuals of East Asian descent in gnomAD. At this time, the clinical significance of this variant is uncertain due to the absence of conclusive functional and genetic evidence.

Labcorp Genetics (formerly Invitae), Labcorp
Classification: Uncertain significance for Cardiomyopathy, familial restrictive, 3; Hypertrophic cardiomyopathy 2; Dilated cardiomyopathy 1D. Last evaluated: 2026-01-25. Review status: criteria provided, single submitter. Criteria: Invitae Variant Classification Sherloc (09022015). Collection method: clinical testing. Allele origin: germline.
Comment: This sequence change replaces arginine, which is basic and polar, with histidine, which is basic and polar, at codon 286 of the TNNT2 protein (p.Arg286His). This variant is present in population databases (rs141121678, gnomAD 0.09%), and has an allele count higher than expected for a pathogenic variant. This missense change has been observed in individual(s) with hypertrophic cardiomyopathy (PMID: 12860912, 23711808, 25086479, 26507537, 27082122, 28356264). ClinVar contains an entry for this variant (Variation ID: 43677). Invitae Evidence Modeling of protein sequence and biophysical properties (such as structural, functional, and spatial information, amino acid conservation, physicochemical variation, residue mobility, and thermodynamic stability) indicates that this missense variant is expected to disrupt TNNT2 protein function with a positive predictive value of 95%. Experimental studies have shown that this missense change affects TNNT2 function (PMID: 32815737). In summary, the available evidence is currently insufficient to determine the role of this variant in disease. Therefore, it has been classified as a Variant of Uncertain Significance.

3billion
Classification: Uncertain significance for Hypertrophic cardiomyopathy 2. Last evaluated: 2025-11-19. Review status: criteria provided, single submitter. Criteria: ACMG Guidelines, 2015. Collection method: clinical testing. Allele origin: germline. Affected: yes.
Comment: The variant is observed at an extremely low frequency in the gnomAD v4.1.0 dataset (total allele frequency: 0.003%). Predicted Consequence/Location: Missense variant In silico tool predictions suggest damaging effect of the variant on gene or gene product [3Cnet: 0.91 (> 0.75, sensitivity 0.96 and precision 0.92)]. The same nucleotide change resulting in the same amino acid change has been previously reported to be associated with TNNT2-related disorder (ClinVar ID: VCV000043677 /PMID: 12860912). Different missense changes at the same codon (p.Arg296Cys, p.Arg296Pro, p.Arg296Ser) have been reported as pathogenic/likely pathogenic with strong evidence (ClinVar ID: VCV000043676, VCV000577168 /PMID: 12707239, 24111713). However, the evidence of pathogenicity is insufficient at this time. Therefore, this variant is classified as VUS according to the recommendation of ACMG/AMP guideline.

Women's Health and Genetics/Laboratory Corporation of America, LabCorp
Classification: Uncertain significance. Last evaluated: 2025-11-17. Review status: criteria provided, single submitter. Criteria: LabCorp Variant Classification Summary - May 2015. Collection method: clinical testing. Allele origin: germline.
Comment: Variant summary: TNNT2 c.857G>A (p.Arg286His) results in a non-conservative amino acid change in the encoded protein sequence. Algorithms developed to predict the effect of missense changes on protein structure and function are either unavailable or do not agree on the potential impact of this missense change. The variant allele was found at a frequency of 6.2e-05 in 242560 control chromosomes. This frequency is not significantly higher than estimated for disease-causing variants in TNNT2, allowing no conclusion about variant significance. c.857G>A has been observed in individual(s) affected with Cardiomyopathy. These report(s) do not provide unequivocal conclusions about association of the variant with Cardiomyopathy (e.g. Van Driest_2003, Liu_2013, Gomez_2017). At least one publication reports experimental evidence evaluating an impact on protein function, however, does not allow convincing conclusions about the variant effect (Pua_2020). The following publications have been ascertained in the context of this evaluation (PMID: 15519027, 23711808, 28356264, 32815737). ClinVar contains an entry for this variant (Variation ID: 43677). Other variants affect this codon (e.g. Arg286Ser, Arg286Cys) have been reported with conflicting classification. Based on the evidence outlined above, the variant was classified as uncertain significance.

Ambry Genetics
Classification: Uncertain significance for Cardiovascular phenotype. Last evaluated: 2025-04-19. Review status: criteria provided, single submitter. Criteria: Ambry Variant Classification Scheme 2023. Collection method: clinical testing. Allele origin: germline.
Comment: The p.R286H variant (also known as c.857G>A), located in coding exon 15 of the TNNT2 gene, results from a G to A substitution at nucleotide position 857. The arginine at codon 286 is replaced by histidine, an amino acid with highly similar properties. This variant has been detected in numerous individuals with hypertrophic cardiomyopathy (HCM); however, it has also been reported in control cohorts, and some HCM cases had additional cardiac variants detected (Van Driest SL et al., Circulation 2003 Jul; 108(4):445-51; Andersen PS et al., Hum. Mutat. 2009 Mar; 30(3):363-70; Berge KE et al., Clin. Genet. 2014 Oct; 86(4):355-60; Chiou KR et al., J Cardiol 2015 Mar; 65(3):250-6; Lopes LR et al., Heart 2015 Feb; 101(4):294-301; Ripoll-Vera T et al., Rev Esp Cardiol (Engl Ed) 2016 Feb; 69(2):149-58; Pua CJ et al. Circ Genom Precis Med, 2020 10;13:424-434). Limited studies in iPSC-CMs suggest this variant may have some functional impact (Pua CJ et al. Circ Genom Precis Med, 2020 10;13:424-434). Based on data from gnomAD, the frequency for this variant is above the maximum credible frequency for a disease-causing variant in this gene based on internally established thresholds (Karczewski et al. Nature. 2020 May;581(7809):434-443; Whiffin et al. Genet Med. 2017 10;19:1151-1158). This amino acid position is highly conserved in available vertebrate species. In addition, this alteration is predicted to be deleterious by in silico analysis. Based on the available evidence, the clinical significance of this alteration remains unclear.

GeneDx
Classification: Uncertain significance. Last evaluated: 2024-10-30. Review status: criteria provided, single submitter. Criteria: GeneDx Variant Classification Process June 2021. Collection method: clinical testing. Allele origin: germline. Affected: yes.
Comment: Published functional studies are contradictory as to whether this variant significantly affects protein function (PMID: 32815737, 33025817); Although instances of segregation with disease have been reported, this variant has also been observed in several unaffected family members in published literature and at GeneDx (PMID: 25086479, 26507537); In silico analysis supports that this missense variant has a deleterious effect on protein structure/function; This variant is associated with the following publications: (PMID: 24111713, 18761664, 23785128, 25524337, 12707239, 25351510, 7898523, 23711808, 23299917, 25637381, 15519027, 12860912, 22321274, 26507537, 20031601, 28138913, 27532257, 28771489, 15958377, 29121657, 30165862, 33025817, 28356264, Kassem2017[CaseReport], 32815737, 35216312, AlloubaM2022[Preprint], 34127679, 37107598, 37652022, 37377076, 37431535, 25086479, 27082122, 19035361)

Revvity Omics, Revvity
Classification: Uncertain significance. Last evaluated: 2024-10-29. Review status: criteria provided, single submitter. Criteria: ACMG Guidelines, 2015. Collection method: clinical testing. Allele origin: germline.